The following is an entry in ClinVar:

ClinVar aggregate classification (germline): Likely pathogenic (1 of 4 stars; one submission).

Conditions:
LAMA2-related muscular dystrophy (LAMA2-RD). Also called: Laminin alpha 2-related dystrophy. Identifiers: MedGen C5679788, MONDO:0100228.

Submission:

Myriad Genetics, Inc.
Classification: Likely pathogenic for LAMA2-related muscular dystrophy. Last evaluated: 2022-03-15. Review status: criteria provided, single submitter. Criteria: Myriad Autosomal Dominant, Autosomal Recessive and X-Linked Classification Criteria (2023). Collection method: clinical testing. Allele origin: unknown.
Comment: NM_000426.3(LAMA2):c.7280_7283delTGTC(L2427Qfs*12) is expected to be pathogenic in the context of muscular dystrophy, LAMA2-related. This variant is predicted to lead to an abnormal or absent protein product due to the creation of a premature termination codon in LAMA2, a gene where loss-of-function variants are known to be pathogenic. Please note: this variant was assessed in the context of healthy population screening.

NM_000426.4(LAMA2):c.7280_7283del (p.Leu2427fs)

Gene: LAMA2 (laminin subunit alpha 2; plus strand). Cytogenetic location: 6q22.33.
Variant type: Deletion.
Coding change: c.7280_7283del on transcript NM_000426.4 (MANE Select); coding-DNA positions 7280 to 7283, 4 bases deleted (TGTC; older notation c.7280_7283delTGTC).
Protein change: p.Leu2427fs; shifts the reading frame from leucine 2427.
Molecular consequence: frameshift variant.
Genome position (GRCh38, 1-based): chr6:129,465,269-129,465,272, TGTC deleted; deleting any 4 consecutive bases within chr6:129,465,267-129,465,272 gives the same sequence; the c. name uses the placement nearest the transcript's 3' end. VCF-style (leftmost placement, unchanged base first): chr6-129465266-CTCTG-C. GRCh37 (hg19) VCF-style: chr6-129786411-CTCTG-C.
Other names: c.7280_7283del, p.Leu2427fs (NM_001079823.2); short protein forms L2427fs.
Identifiers: ClinVar variation 1725233 (VCV001725233.3), dbSNP rs2533443773, ClinGen allele CA2580074992.